The following is an entry in ClinVar:

ClinVar aggregate classification (germline): Likely benign (0 of 4 stars; one submission).

Conditions:
TMEM230-related disorder. Also called: TMEM230-related condition.

Allele frequency attached by ClinVar (database versions not stated): 1000 Genomes Project 30x 0.00375; 1000 Genomes Project 0.00419.
gnomAD v4.1: 651 of 1,536,024 alleles (0.042%); highest among the groups gnomAD compares: African/African-American, 0.7%; 1 homozygote.

Submission:

PreventionGenetics, part of Exact Sciences
Classification: Likely benign for TMEM230-related condition. Last evaluated: 2021-01-11. Review status: no assertion criteria provided. Collection method: clinical testing. Allele origin: germline.
Comment: This variant is classified as likely benign based on ACMG/AMP sequence variant interpretation guidelines (Richards et al. 2015 PMID: 25741868, with internal and published modifications).

NM_001330987.2(TMEM230):c.292A>C (p.Met98Leu)

Gene: TMEM230 (transmembrane protein 230; minus strand). Cytogenetic location: 20p13.
Variant type: single nucleotide variant.
Coding change: c.292A>C on transcript NM_001330987.2; coding-DNA position 292, A replaced by C.
Protein change: p.Met98Leu; replaces methionine 98 with leucine.
Molecular consequence: missense variant.
Genome position (GRCh38, 1-based): chr20:5,069,280, T>G on the plus strand (A>C on the coding strand, the complement: TMEM230 is on the minus strand). VCF-style: chr20-5069280-T-G. GRCh37 (hg19) VCF-style: chr20-5049926-T-G.
Other names: short protein forms M98L.
Identifiers: ClinVar variation 3039663 (VCV003039663.2), dbSNP rs148412505, ClinGen allele CA9753348.